The following is an entry in ClinVar:

NM_000539.3(RHO):c.799C>A (p.Pro267Thr)

Gene: RHO (rhodopsin; plus strand). Cytogenetic location: 3q22.1.
Variant type: single nucleotide variant.
Coding change: c.799C>A on transcript NM_000539.3 (MANE Select); coding-DNA position 799, C replaced by A.
Protein change: p.Pro267Thr; replaces proline 267 with threonine.
Molecular consequence: missense variant.
Genome position (GRCh38, 1-based): chr3:129,532,635, C>A. VCF-style: chr3-129532635-C-A. GRCh37 (hg19) VCF-style: chr3-129251478-C-A.
Other names: short protein forms P267T.
Identifiers: ClinVar variation 853413 (VCV000853413.10), dbSNP rs2084789550, ClinGen allele CA354470391.

ClinVar aggregate classification (germline): Pathogenic/Likely pathogenic. Review status: criteria provided, multiple submitters, no conflicts (2 of 4 stars). 2 submissions from 2 submitters: Pathogenic (1); Likely pathogenic (1). Last evaluated 2025-11-02.

Conditions:
RHO-related disorder. Also called: RHO-related condition.

Allele frequency attached by ClinVar (database versions not stated): TOPMed below 0.00001.

Submissions (2):

Labcorp Genetics (formerly Invitae), Labcorp
Classification: Pathogenic. Last evaluated: 2025-11-02. Review status: criteria provided, single submitter. Criteria: Invitae Variant Classification Sherloc (09022015). Collection method: clinical testing. Allele origin: germline.
Comment: This sequence change replaces proline, which is neutral and non-polar, with threonine, which is neutral and polar, at codon 267 of the RHO protein (p.Pro267Thr). This variant is not present in population databases (gnomAD no frequency). This missense change has been observed in individuals with clinical features of autosomal dominant RHO-related conditions (internal data). ClinVar contains an entry for this variant (Variation ID: 853413). Invitae Evidence Modeling of protein sequence and biophysical properties (such as structural, functional, and spatial information, amino acid conservation, physicochemical variation, residue mobility, and thermodynamic stability) indicates that this missense variant is expected to disrupt RHO protein function with a positive predictive value of 95%. This variant disrupts the p.Pro267 amino acid residue in RHO. Other variant(s) that disrupt this residue have been determined to be pathogenic (PMID: 1897520, 7987331, 26962691, 29890221; internal data). This suggests that this residue is clinically significant, and that variants that disrupt this residue are likely to be disease-causing. For these reasons, this variant has been classified as Pathogenic.

Blueprint Genetics
Classification: Likely pathogenic for RHO-related disorders. Last evaluated: 2021-06-14. Review status: criteria provided, single submitter. Criteria: ACMG Guidelines, 2015. Collection method: clinical testing. Allele origin: germline. Affected: yes. Observed: 1 variant allele.

Literature cited by the submitters: PubMed 1897520 (cited by Labcorp Genetics (formerly Invitae), Labcorp); PubMed 7987331 (cited by Labcorp Genetics (formerly Invitae), Labcorp); PubMed 26962691 (cited by Labcorp Genetics (formerly Invitae), Labcorp); PubMed 29890221 (cited by Labcorp Genetics (formerly Invitae), Labcorp).